The following is an entry in ClinVar:

NM_000337.6(SGCD):c.*3962G>A

Gene: SGCD (sarcoglycan delta; plus strand). Cytogenetic location: 5q33.3.
Variant type: single nucleotide variant.
Coding change: c.*3962G>A on transcript NM_000337.6 (MANE Select); 3962 bases downstream of the stop codon, G replaced by A.
Molecular consequence: 3 prime UTR variant.
Genome position (GRCh38, 1-based): chr5:156,763,352, G>A. VCF-style: chr5-156763352-G-A. GRCh37 (hg19) VCF-style: chr5-156190363-G-A.
Other names: c.*3962G>A (NM_001128209.2).
Identifiers: ClinVar variation 352382 (VCV000352382.10), dbSNP rs56182215, ClinGen allele CA10623711.

ClinVar aggregate classification (germline): Benign/Likely benign. Review status: criteria provided, multiple submitters, no conflicts (2 of 4 stars). 5 submissions from 4 submitters: Benign (2); Likely benign (3). Last evaluated 2023-02-08.

Conditions:
Qualitative or quantitative defects of delta-sarcoglycan. Identifiers: Orphanet 207070, MedGen C5680806, MONDO:0016144.
Autosomal recessive limb-girdle muscular dystrophy type 2F (LGMDR6). Also called: MUSCULAR DYSTROPHY, LIMB-GIRDLE, AUTOSOMAL RECESSIVE 6; Muscular dystrophy limb-girdle with delta-sarcoglyan deficiency. Identifiers: Orphanet 219, MedGen C1832525, MONDO:0011028, OMIM 601287. Disease mechanism: Affects gamma-sarcoglycan and also disrupts the integrity of the entire sarcoglycan complex..
Dilated cardiomyopathy 1L (CMD1L). Identifiers: Orphanet 154, MedGen C1847667, MONDO:0011702, OMIM 606685.

Allele frequency attached by ClinVar (database versions not stated): gnomAD exomes 0.03829; gnomAD 0.08020 and 0.08205; TOPMed 0.08924; 1000 Genomes Project 0.09605; 1000 Genomes Project 30x 0.09900.
gnomAD v4.1: 12,175 of 152,542 alleles (8%); highest among the groups gnomAD compares: African/African-American, 17%; 780 homozygotes.

Submissions (5):

Genome-Nilou Lab
Classification: Likely benign for Autosomal recessive limb-girdle muscular dystrophy type 2F. Last evaluated: 2023-02-08. Review status: criteria provided, single submitter. Criteria: ACMG Guidelines, 2015. Collection method: clinical testing. Allele origin: germline.

Genome-Nilou Lab
Classification: Likely benign for Dilated cardiomyopathy 1L. Last evaluated: 2023-02-08. Review status: criteria provided, single submitter. Criteria: ACMG Guidelines, 2015. Collection method: clinical testing. Allele origin: germline.

GeneDx
Classification: Benign. Last evaluated: 2021-05-20. Review status: criteria provided, single submitter. Criteria: GeneDx Variant Classification Process June 2021. Collection method: clinical testing. Allele origin: germline. Affected: yes.

Illumina Laboratory Services, Illumina
Classification: Benign for Qualitative or quantitative defects of delta-sarcoglycan. Last evaluated: 2018-01-13. Review status: criteria provided, single submitter. Criteria: ICSL Variant Classification Criteria 13 December 2019. Collection method: clinical testing. Allele origin: germline.
Comment: This variant was observed in the ICSL laboratory as part of a predisposition screen in an ostensibly healthy population. It had not been previously curated by ICSL or reported in the Human Gene Mutation Database (HGMD: prior to June 1st, 2018), and was therefore a candidate for classification through an automated scoring system. Utilizing variant allele frequency, disease prevalence and penetrance estimates, and inheritance mode, an automated score was calculated to assess if this variant is too frequent to cause the disease. Based on the score and internal cut-off values, a variant classified as benign is not then subjected to further curation. The score for this variant resulted in a classification of benign for this disease.

Breakthrough Genomics
Classification: Likely benign. Review status: criteria provided, single submitter. Criteria: ACMG Guidelines, 2015. Collection method: not provided. Allele origin: germline. Inheritance: Autosomal recessive inheritance. Affected: yes.